The following is an entry in ClinVar:

ClinVar aggregate classification (germline): Likely pathogenic. Review status: criteria provided, multiple submitters, no conflicts (2 of 4 stars). 2 submissions from 2 submitters: Likely pathogenic (2). Last evaluated 2017-04-04.

Conditions:
Intellectual developmental disorder, autosomal dominant 6, with or without seizures. Also called: Intellectual disability, autosomal dominant 6; GRIN2B-related developmental delay, intellectual disability and autism spectrum disorder. Identifiers: Orphanet 589547, MedGen C3151411, MONDO:0013509, OMIM 613970.

Submissions (2):

Institute of Human Genetics, University of Leipzig Medical Center
Classification: Likely pathogenic for Intellectual developmental disorder, autosomal dominant 6, with or without seizures. Last evaluated: 2017-04-04. Review status: criteria provided, single submitter. Criteria: ACMG Guidelines, 2015. Collection method: clinical testing. Allele origin: de novo. Affected: yes.
Comment: This variant was identified as de novo (maternity and paternity confirmed).

GeneDx
Classification: Likely pathogenic. Last evaluated: 2015-09-28. Review status: criteria provided, single submitter. Criteria: GeneDx Variant Classification (06012015). Collection method: clinical testing. Allele origin: germline. Affected: yes.
Comment: The A734V variant in the GRIN2B gene has not been published as a pathogenic variant, nor has it been reported as a benign polymorphism to our knowledge. The A734V variant was not observed in approximately 6,500 individuals of European and African American ancestry in the NHLBI Exome Sequencing Project, indicating it is not a common benign variant in these populations. The A734V variant is a conservative amino acid substitution, which is not likely to impact secondary protein structure as these residues share similar properties. This substitution occurs at a position that is conserved across species. In silico analysis is inconsistent in its predictions as to whether or not the variant is damaging to the protein structure/function. The A734V variant is a strong candidate for a pathogenic variant. However, the possibility it may be a rare benign variant cannot be excluded.

Literature cited by the submitters: PubMed 28377535 (cited by Institute of Human Genetics, University of Leipzig Medical Center).

NM_000834.5(GRIN2B):c.2201C>T (p.Ala734Val)

Gene: GRIN2B (glutamate ionotropic receptor NMDA type subunit 2B; minus strand). Cytogenetic location: 12p13.1.
Variant type: single nucleotide variant.
Coding change: c.2201C>T on transcript NM_000834.5 (MANE Select); coding-DNA position 2201, C replaced by T.
Protein change: p.Ala734Val; replaces alanine 734 with valine.
Molecular consequence: missense variant.
Genome position (GRCh38, 1-based): chr12:13,569,988, G>A on the plus strand (C>T on the coding strand, the complement: GRIN2B is on the minus strand). VCF-style: chr12-13569988-G-A. GRCh37 (hg19) VCF-style: chr12-13722922-G-A.
Other names: short protein forms A734V.
Identifiers: ClinVar variation 234527 (VCV000234527.3), dbSNP rs876661064, ClinGen allele CA10577447.